The following is an entry in ClinVar:

NM_001374736.1(DST):c.19819_19820del (p.Thr6607fs)

Gene: DST (dystonin; minus strand). Cytogenetic location: 6p12.1.
Variant type: Microsatellite.
Coding change: c.19819_19820del on transcript NM_001374736.1 (MANE Select); coding-DNA positions 19819 to 19820, 2 bases deleted (AC; older notation c.19819_19820delAC).
Protein change: p.Thr6607fs; shifts the reading frame from threonine 6607.
Molecular consequence: frameshift variant.
Genome position (GRCh38, 1-based): chr6:56,501,156-56,501,157, GT deleted on the plus strand (AC on the coding strand, the reverse complement: DST is on the minus strand); deleting any 2 consecutive bases within chr6:56,501,156-56,501,163 gives the same sequence; the c. name uses the placement nearest the transcript's 3' end. VCF-style (leftmost placement, unchanged base first): chr6-56501155-GGT-G. GRCh37 (hg19) VCF-style: chr6-56365953-GGT-G.
Other names: c.13462_13463del, p.Thr4488fs (NM_001144769.5); c.13048_13049del, p.Thr4350fs (NM_001144770.2); c.19819_19820del, p.Thr6607fs (NM_001374722.1); c.18859_18860del, p.Thr6287fs (NM_001374729.1); c.12601_12602del, p.Thr4201fs (NM_001374730.1); c.19846_19847del, p.Thr6616fs (NM_001374734.1); c.12928_12929del, p.Thr4310fs (NM_001386100.1, NM_183380.4); c.11950_11951del, p.Thr3984fs (NM_015548.5); short protein forms T3984fs, T4201fs, T4310fs, T4350fs, T4488fs, T6287fs, T6607fs, T6616fs.
Identifiers: ClinVar variation 3759625 (VCV003759625.2).

ClinVar aggregate classification (germline): Pathogenic (1 of 4 stars; one submission).

Conditions:
Epidermolysis bullosa simplex 3, localized or generalized intermediate, with BP230 deficiency (EBS3). Also called: Epidermolysis bullosa simplex, autosomal recessive 2; Epidermolysis bullosa simplex due to BP230 deficiency. Identifiers: Orphanet 412181, MedGen C3809470, MONDO:0014180, OMIM 615425.
Hereditary sensory and autonomic neuropathy type 6. Also called: HSAN VI; Neuropathy, hereditary sensory and autonomic, type VI. Identifiers: Orphanet 314381, MedGen C3539003, MONDO:0013839, OMIM 614653.

Submission:

Labcorp Genetics (formerly Invitae), Labcorp
Classification: Pathogenic for Epidermolysis bullosa simplex 3, localized or generalized intermediate, with BP230 deficiency; Hereditary sensory and autonomic neuropathy type 6. Last evaluated: 2024-10-30. Review status: criteria provided, single submitter. Criteria: Invitae Variant Classification Sherloc (09022015). Collection method: clinical testing. Allele origin: germline.
Comment: The DST gene has multiple clinically relevant transcripts. This variant occurs in alternate transcript NM_015548.4, and corresponds to NM_001723.5:c.*114360_*114361del in the primary transcript. This sequence change creates a premature translational stop signal (p.Thr3984Argfs*6) in the DST gene. It is expected to result in an absent or disrupted protein product. Loss-of-function variants in DST are known to be pathogenic (PMID: 22522446, 25059916, 30371979). This variant is not present in population databases (gnomAD no frequency). This variant has not been reported in the literature in individuals affected with DST-related conditions. For these reasons, this variant has been classified as Pathogenic.

Literature cited by the submitters: PubMed 22522446; PubMed 25059916; PubMed 30371979.